The following is an entry in ClinVar:

ClinVar aggregate classification (germline): Uncertain significance (1 of 4 stars; one submission).

Allele frequency attached by ClinVar (database versions not stated): ExAC 0.00001; gnomAD 0.00001; gnomAD exomes 0.00001.
gnomAD v4.1: 10 of 1,613,082 alleles (0.00062%); highest among the groups gnomAD compares: Admixed American, 0.0017%; no homozygotes.

Submission:

Labcorp Genetics (formerly Invitae), Labcorp
Classification: Uncertain significance. Last evaluated: 2023-11-06. Review status: criteria provided, single submitter. Criteria: Invitae Variant Classification Sherloc (09022015). Collection method: clinical testing. Allele origin: germline.
Comment: This sequence change replaces isoleucine, which is neutral and non-polar, with valine, which is neutral and non-polar, at codon 2889 of the ADGRV1 protein (p.Ile2889Val). This variant is present in population databases (rs762877997, gnomAD 0.003%). This variant has not been reported in the literature in individuals affected with ADGRV1-related conditions. ClinVar contains an entry for this variant (Variation ID: 1945056). Advanced modeling of protein sequence and biophysical properties (such as structural, functional, and spatial information, amino acid conservation, physicochemical variation, residue mobility, and thermodynamic stability) performed at Invitae indicates that this missense variant is not expected to disrupt ADGRV1 protein function with a negative predictive value of 95%. In summary, the available evidence is currently insufficient to determine the role of this variant in disease. Therefore, it has been classified as a Variant of Uncertain Significance.

NM_032119.4(ADGRV1):c.8665A>G (p.Ile2889Val)

Gene: ADGRV1 (adhesion G protein-coupled receptor V1; plus strand). Cytogenetic location: 5q14.3.
Variant type: single nucleotide variant.
Coding change: c.8665A>G on transcript NM_032119.4 (MANE Select); coding-DNA position 8665, A replaced by G.
Protein change: p.Ile2889Val; replaces isoleucine 2889 with valine.
Molecular consequence: missense variant. On other transcripts: non-coding transcript variant (1).
Genome position (GRCh38, 1-based): chr5:90,706,329, A>G. VCF-style: chr5-90706329-A-G. GRCh37 (hg19) VCF-style: chr5-90002146-A-G.
Other names: short protein forms I2889V.
Identifiers: ClinVar variation 1945056 (VCV001945056.3), dbSNP rs762877997, ClinGen allele CA3340310.